The following is an entry in ClinVar:

ClinVar aggregate classification (germline): Conflicting classifications of pathogenicity. Review status: criteria provided, conflicting classifications (1 of 4 stars). 3 submissions from 3 submitters: Uncertain significance (2); Likely benign (1). Last evaluated 2024-09-17.

Conditions:
Intellectual developmental disorder, autosomal dominant 68 (MRD68). Also called: MENTAL RETARDATION, AUTOSOMAL DOMINANT 68. Identifiers: MedGen C5677008, MONDO:0030969, OMIM 619934.
Dystonia 28, childhood-onset (DYT28). Also called: KMT2B-Related Dystonia (DYT-KMT2B). Identifiers: Orphanet 589618, MedGen C4310633, MONDO:0015004, OMIM 617284.

Allele frequency attached by ClinVar (database versions not stated): gnomAD exomes 0.00001; gnomAD 0.00004; TOPMed 0.00004.
gnomAD v4.1: 13 of 1,610,428 alleles (0.00081%); highest among the groups gnomAD compares: African/African-American, 0.0053%; no homozygotes.

Submissions (3):

Revvity Omics, Revvity
Classification: Uncertain significance. Last evaluated: 2024-09-17. Review status: criteria provided, single submitter. Criteria: ACMG Guidelines, 2015. Collection method: clinical testing. Allele origin: germline.

Institute of Immunology and Genetics Kaiserslautern
Classification: Uncertain significance for Dystonia 28, childhood-onset; Intellectual developmental disorder, autosomal dominant 68. Last evaluated: 2023-07-19. Review status: criteria provided, single submitter. Criteria: ACMG Guidelines, 2015. Collection method: clinical testing. Allele origin: germline.
Comment: ACMG Criteria: PM2_P, PP3; Variant was found in heterozygous state.

Labcorp Genetics (formerly Invitae), Labcorp
Classification: Likely benign. Last evaluated: 2022-12-06. Review status: criteria provided, single submitter. Criteria: Invitae Variant Classification Sherloc (09022015). Collection method: clinical testing. Allele origin: germline.

NM_014727.3(KMT2B):c.3769C>T (p.Arg1257Cys)

Gene: KMT2B (lysine methyltransferase 2B; plus strand). Cytogenetic location: 19q13.12.
Variant type: single nucleotide variant.
Coding change: c.3769C>T on transcript NM_014727.3 (MANE Select); coding-DNA position 3769, C replaced by T.
Protein change: p.Arg1257Cys; replaces arginine 1257 with cysteine.
Molecular consequence: missense variant.
Genome position (GRCh38, 1-based): chr19:35,725,605, C>T. VCF-style: chr19-35725605-C-T. GRCh37 (hg19) VCF-style: chr19-36216506-C-T.
Other names: c.3769C>T (NM_014727.2); short protein forms R1257C.
Identifiers: ClinVar variation 2193260 (VCV002193260.6), dbSNP rs956016804, ClinGen allele CA307787958.
Genomic context (GRCh38, chr19:35,725,605, plus strand): 5'-CTGCCCCAGCATCACGACACCTGGTGCTGCCGTCGCTGCAAATTCTGCCACGTCTGTGGA[C>T]GCAAAGGTCGTGGATCCAAGGTTTGGGCCCAAGGGCTGGCCAGGGTGGGTGGAGGCCTGA-3'
Protein context (NP_055542.1, residues 1247-1267): RRCKFCHVCG[Arg1257Cys]KGRGSKHLLE